The following is an entry in ClinVar:

NM_001039803.3(CDK20):c.285C>A (p.Ala95=)

Gene: CDK20 (cyclin dependent kinase 20; minus strand). Cytogenetic location: 9q22.1.
Variant type: single nucleotide variant.
Coding change: c.285C>A on transcript NM_001039803.3 (MANE Select); coding-DNA position 285, C replaced by A.
Protein change: p.Ala95=; no amino-acid change (alanine 95 retained).
Molecular consequence: synonymous variant.
Genome position (GRCh38, 1-based): chr9:87,971,240, G>T on the plus strand (C>A on the coding strand, the complement: CDK20 is on the minus strand). VCF-style: chr9-87971240-G-T. GRCh37 (hg19) VCF-style: chr9-90586155-G-T.
Other names: c.285C>A, p.Ala95= (NM_001170639.2, NM_001170640.2, NM_012119.5); c.324C>A, p.Ala108= (NM_178432.4).
Identifiers: ClinVar variation 3050464 (VCV003050464.2), dbSNP rs3750491, ClinGen allele CA5114226.

ClinVar aggregate classification (germline): Likely benign (0 of 4 stars; one submission).

Conditions:
CDK20-related disorder. Also called: CDK20-related condition.

Allele frequency attached by ClinVar (database versions not stated): gnomAD exomes 0.00010; gnomAD 0.00011; TOPMed 0.00019; ExAC 0.00037; 1000 Genomes Project 30x 0.00094; 1000 Genomes Project 0.00100.

Submission:

PreventionGenetics, part of Exact Sciences
Classification: Likely benign for CDK20-related condition. Last evaluated: 2022-12-19. Review status: no assertion criteria provided. Collection method: clinical testing. Allele origin: germline.
Comment: This variant is classified as likely benign based on ACMG/AMP sequence variant interpretation guidelines (Richards et al. 2015 PMID: 25741868, with internal and published modifications).